The following is an entry in ClinVar:

ClinVar aggregate classification (germline): Likely benign (1 of 4 stars; one submission).

gnomAD v4.1: 681 of 1,613,876 alleles (0.042%); highest among the groups gnomAD compares: Non-Finnish European, 0.053%; no homozygotes.

Submission:

CeGaT Center for Human Genetics Tuebingen
Classification: Likely benign. Last evaluated: 2024-08-01. Review status: criteria provided, single submitter. Criteria: CeGaT Center For Human Genetics Tuebingen Variant Classification Criteria Version 2. Collection method: clinical testing. Allele origin: germline. Affected: yes. Observed: 1 variant allele.
Comment: DNAH2: BP4, BP7

NM_020877.5(DNAH2):c.6141C>T (p.Thr2047=)

Gene: DNAH2 (dynein axonemal heavy chain 2; plus strand). Cytogenetic location: 17p13.1.
Variant type: single nucleotide variant.
Coding change: c.6141C>T on transcript NM_020877.5 (MANE Select); coding-DNA position 6141, C replaced by T.
Protein change: p.Thr2047=; no amino-acid change (threonine 2047 retained).
Molecular consequence: synonymous variant.
Genome position (GRCh38, 1-based): chr17:7,786,135, C>T. VCF-style: chr17-7786135-C-T. GRCh37 (hg19) VCF-style: chr17-7689453-C-T.
Identifiers: ClinVar variation 3341687 (VCV003341687.16).
Genomic context (GRCh38, chr17:7,786,135, plus strand): 5'-AAAGGCCTCATCCTTTTTCTTCTGCTTGCTGTGTTTTCCCTTCCCTCAGCTGCGGGAGAC[C>T]GTTGAGCAGGAGATTCGAGACATGGGCCTGCAAAGCACGCCGTTCACCCTCACCAAGGTT-3'
Protein context (NP_065928.2, residues 2037-2057): PVIDYGKLRE[Thr2047=]VEQEIRDMGL